The following is an entry in ClinVar:

ClinVar aggregate classification (germline): Likely pathogenic (1 of 4 stars; one submission).

Submission:

Quest Diagnostics Nichols Institute San Juan Capistrano
Classification: Likely pathogenic. Last evaluated: 2022-06-27. Review status: criteria provided, single submitter. Criteria: ACMG/ClinGen CNV Guidelines, 2019. Collection method: clinical testing. Allele origin: unknown.
Comment: The copy number loss of 12q13.3q14.1 involves multiple genes, nine of which are associated with either autosomal dominant or recessive OMIM phenotypes. Six patients reported with overlapping deletions of the 12q13.3q14.1 region had phenotypes including moderate to severe learning disability, speech delay, and congenital heart defects. The majority of the deletions were determined to be de novo. The current deletion overlaps significantly with the smallest region of overlap among the six reported cases. Although the genotype phenotype correlations were not clearly established, the authors discuss the theoretical possibility that haploinsufficiency of KIF5A or DCTN2, both involved in the current deletion, could contribute to the neurodevelopmental issues (Lynch et al., Eur J Hum Genet. 2011 May;19(5):534-9., PMID: 21267005). However, the recent identification of two intragenic deletions of KIF2A in 2 unrelated families with Charcot-Marie-Tooth disease may not support haploinsufficiency of KIF2A (Comput Struct Biotechnol J. 2021 Jul 30;19:4265-4272. PMID: 34429846). Gene DCTN2 has not been associated with an OMIM phenotype.

GRCh37/hg19 12q13.3-14.1(chr12:57631073-58236597)x1

Genes: AGAP2 (ArfGAP with GTPase domain, ankyrin repeat and PH domain 2; minus strand), ARHGAP9 (Rho GTPase activating protein 9; minus strand), ARHGEF25 (Rho guanine nucleotide exchange factor 25; plus strand), AVIL (advillin; minus strand), B4GALNT1 (beta-1,4-N-acetyl-galactosaminyltransferase 1; minus strand) and 24 more. Cytogenetic location: 12q13.3-14.1.
Variant type: copy number loss.
Change: copy number 1 (one copy instead of two) of chr12:57,631,073-58,236,597 (605.5 kb, GRCh37 coordinates, 1-based), cytogenetic band 12q13.3-14.1.
Identifiers: ClinVar variation 1808720 (VCV001808720.1).